The following is an entry in ClinVar:

ClinVar aggregate classification (germline): Likely benign (1 of 4 stars; one submission).

Submission:

CeGaT Center for Human Genetics Tuebingen
Classification: Likely benign. Last evaluated: 2023-03-01. Review status: criteria provided, single submitter. Criteria: CeGaT Center For Human Genetics Tuebingen Variant Classification Criteria Version 2. Collection method: clinical testing. Allele origin: germline. Affected: yes. Observed: 1 variant allele.
Comment: MUC2: BP4, BP7

NM_002457.5(MUC2):c.11988G>C (p.Thr3996=)

Gene: MUC2 (mucin 2, oligomeric mucus/gel-forming; plus strand). Cytogenetic location: 11p15.5.
Variant type: single nucleotide variant.
Coding change: c.11988G>C on transcript NM_002457.5 (MANE Select); coding-DNA position 11988, G replaced by C.
Protein change: p.Thr3996=; no amino-acid change (threonine 3996 retained).
Molecular consequence: synonymous variant.
Genome position (GRCh38, 1-based): chr11:1,099,322, G>C. VCF-style: chr11-1099322-G-C. GRCh37 (hg19) VCF-style: chr11-1093230-G-C.
Identifiers: ClinVar variation 2641138 (VCV002641138.24), dbSNP rs374452796, ClinGen allele CA472381691.